The following is an entry in ClinVar:

ClinVar aggregate classification (germline): Uncertain significance. Review status: criteria provided, multiple submitters, no conflicts (2 of 4 stars). 2 submissions from 2 submitters: Uncertain significance (2). Last evaluated 2024-03-11.

Conditions:
Inborn genetic diseases. Identifiers: MedGen C0950123, MeSH D030342.
Progressive encephalopathy with leukodystrophy due to DECR deficiency. Identifiers: Orphanet 431361, MedGen C1857252, MONDO:0014464, OMIM 616034.

Allele frequency attached by ClinVar (database versions not stated): gnomAD exomes 0.00001 and 0.00003; gnomAD 0.00011 and 0.00013; TOPMed 0.00011; ExAC 0.00013; ESP Exome Variant Server 0.00025.
gnomAD v4.1: 24 of 1,558,624 alleles (0.0015%); highest among the groups gnomAD compares: African/African-American, 0.031%; no homozygotes.

Submissions (2):

Ambry Genetics
Classification: Uncertain significance for Inborn genetic diseases. Last evaluated: 2024-03-11. Review status: criteria provided, single submitter. Criteria: Ambry Variant Classification Scheme 2023. Collection method: clinical testing. Allele origin: germline.

Labcorp Genetics (formerly Invitae), Labcorp
Classification: Uncertain significance for Progressive encephalopathy with leukodystrophy due to DECR deficiency. Last evaluated: 2021-12-02. Review status: criteria provided, single submitter. Criteria: Invitae Variant Classification Sherloc (09022015). Collection method: clinical testing. Allele origin: germline.
Comment: In summary, the available evidence is currently insufficient to determine the role of this variant in disease. Therefore, it has been classified as a Variant of Uncertain Significance. Algorithms developed to predict the effect of missense changes on protein structure and function are either unavailable or do not agree on the potential impact of this missense change (SIFT: "Deleterious"; PolyPhen-2: "Possibly Damaging"; Align-GVGD: "Class C0"). This sequence change replaces isoleucine, which is neutral and non-polar, with threonine, which is neutral and polar, at codon 117 of the NADK2 protein (p.Ile117Thr). The frequency data for this variant in the population databases is considered unreliable, as metrics indicate poor data quality at this position in the gnomAD database. This variant has not been reported in the literature in individuals affected with NADK2-related conditions.

NM_001085411.3(NADK2):c.350T>C (p.Ile117Thr)

Gene: NADK2 (NAD kinase 2, mitochondrial; minus strand). Cytogenetic location: 5p13.2.
Variant type: single nucleotide variant.
Coding change: c.350T>C on transcript NM_001085411.3 (MANE Select); coding-DNA position 350, T replaced by C.
Protein change: p.Ile117Thr; replaces isoleucine 117 with threonine.
Molecular consequence: missense variant. On other transcripts: 5 prime UTR variant (3).
Genome position (GRCh38, 1-based): chr5:36,227,516, A>G on the plus strand (T>C on the coding strand, the complement: NADK2 is on the minus strand). VCF-style: chr5-36227516-A-G. GRCh37 (hg19) VCF-style: chr5-36227618-A-G.
Other names: c.-140T>C (NM_001287340.2, NM_001287341.2, NM_153013.5); c.350T>C (NM_001085411.1); short protein forms I117T.
Identifiers: ClinVar variation 1371420 (VCV001371420.7), dbSNP rs369570324, ClinGen allele CA3234764.